The following is an entry in ClinVar:

NM_000821.7(GGCX):c.1224C>A (p.His408Gln)

Gene: GGCX (gamma-glutamyl carboxylase; minus strand). Cytogenetic location: 2p11.2.
Variant type: single nucleotide variant.
Coding change: c.1224C>A on transcript NM_000821.7 (MANE Select); coding-DNA position 1224, C replaced by A.
Protein change: p.His408Gln; replaces histidine 408 with glutamine.
Molecular consequence: missense variant.
Genome position (GRCh38, 1-based): chr2:85,553,002, G>T on the plus strand (C>A on the coding strand, the complement: GGCX is on the minus strand). VCF-style: chr2-85553002-G-T. GRCh37 (hg19) VCF-style: chr2-85780125-G-T.
Other names: c.1053C>A, p.His351Gln (NM_001142269.4); short protein forms H351Q, H408Q.
Identifiers: ClinVar variation 896485 (VCV000896485.5), dbSNP rs763288483, ClinGen allele CA1741886.

ClinVar aggregate classification (germline): Uncertain significance. Review status: criteria provided, multiple submitters, no conflicts (2 of 4 stars). 2 submissions from 2 submitters: Uncertain significance (2). Last evaluated 2022-10-24.

Conditions:
Vitamin K-dependent clotting factors, combined deficiency of, type 1. Also called: FACTORS II, VII, IX, AND X, COMBINED DEFICIENCY OF; FAMILIAL MULTIPLE COAGULATION FACTOR DEFICIENCY III; FMFD III; GLUTAMIC ACID, DEFICIENT GAMMA-CARBOXYLATION OF; MULTIPLE COAGULATION FACTOR DEFICIENCY III; VITAMIN K-DEPENDENT COAGULATION DEFECT. Identifiers: Orphanet 98434, MedGen C1848534, MONDO:0010187, OMIM 277450.

Allele frequency attached by ClinVar (database versions not stated): ExAC 0.00001; gnomAD 0.00002 and 0.00003; gnomAD exomes 0.00002 and 0.00003; TOPMed 0.00004.
gnomAD v4.1: 49 of 1,614,062 alleles (0.003%); highest among the groups gnomAD compares: Admixed American, 0.005%; no homozygotes.

Submissions (2):

Labcorp Genetics (formerly Invitae), Labcorp
Classification: Uncertain significance. Last evaluated: 2022-10-24. Review status: criteria provided, single submitter. Criteria: Invitae Variant Classification Sherloc (09022015). Collection method: clinical testing. Allele origin: germline.
Comment: This sequence change replaces histidine, which is basic and polar, with glutamine, which is neutral and polar, at codon 408 of the GGCX protein (p.His408Gln). This variant is present in population databases (rs763288483, gnomAD 0.006%). This variant has not been reported in the literature in individuals affected with GGCX-related conditions. ClinVar contains an entry for this variant (Variation ID: 896485). Algorithms developed to predict the effect of missense changes on protein structure and function are either unavailable or do not agree on the potential impact of this missense change (SIFT: "Tolerated"; PolyPhen-2: "Probably Damaging"; Align-GVGD: "Class C0"). In summary, the available evidence is currently insufficient to determine the role of this variant in disease. Therefore, it has been classified as a Variant of Uncertain Significance.

Illumina Laboratory Services, Illumina
Classification: Uncertain significance for Vitamin K-dependent clotting factors, combined deficiency of, type 1. Last evaluated: 2018-01-13. Review status: criteria provided, single submitter. Criteria: ICSL Variant Classification Criteria 13 December 2019. Collection method: clinical testing. Allele origin: germline.